The following is an entry in ClinVar:

NM_000742.4(CHRNA2):c.1418T>G (p.Val473Gly)

Gene: CHRNA2 (cholinergic receptor nicotinic alpha 2 subunit; minus strand). Cytogenetic location: 8p21.2.
Variant type: single nucleotide variant.
Coding change: c.1418T>G on transcript NM_000742.4 (MANE Select); coding-DNA position 1418, T replaced by G.
Protein change: p.Val473Gly; replaces valine 473 with glycine.
Molecular consequence: missense variant.
Genome position (GRCh38, 1-based): chr8:27,463,025, A>C on the plus strand (T>G on the coding strand, the complement: CHRNA2 is on the minus strand). VCF-style: chr8-27463025-A-C. GRCh37 (hg19) VCF-style: chr8-27320542-A-C.
Other names: c.1373T>G, p.Val458Gly (NM_001282455.2); c.941T>G, p.Val314Gly (NM_001347705.2, NM_001347706.2); c.824T>G, p.Val275Gly (NM_001347707.2, NM_001347708.2); short protein forms V473G, V275G, V458G, V314G.
Identifiers: ClinVar variation 625918 (VCV000625918.11), dbSNP rs150254933, ClinGen allele CA4689465.

ClinVar aggregate classification (germline): Conflicting classifications of pathogenicity. Review status: criteria provided, conflicting classifications (1 of 4 stars). 3 submissions from 3 submitters: Uncertain significance (2); Likely benign (1). Last evaluated 2025-06-25.

Conditions:
Inborn genetic diseases. Identifiers: MedGen C0950123, MeSH D030342.
Familial sleep-related hypermotor epilepsy. Also called: Autosomal Dominant Sleep-Related Hypermotor (Hyperkinetic) Epilepsy. Identifiers: Orphanet 98784, MedGen C3696898, MONDO:0000030.
Autosomal dominant nocturnal frontal lobe epilepsy 4. Also called: EPILEPSY, FAMILIAL, WITH NOCTURNAL WANDERING AND ICTAL FEAR; CHRNA2-Related Nocturnal Frontal Lobe Epilepsy, Autosomal Dominant. Identifiers: Orphanet 98784, MedGen C1835905, MONDO:0012474, OMIM 610353.

Allele frequency attached by ClinVar (database versions not stated): gnomAD exomes 0.00002; TOPMed 0.00005; 1000 Genomes Project 0.00020; gnomAD 0.00003; 1000 Genomes Project 30x 0.00016; ExAC 0.00002.
gnomAD v4.1: 38 of 1,614,054 alleles (0.0024%); highest among the groups gnomAD compares: Admixed American, 0.005%; no homozygotes.

Submissions (3):

Labcorp Genetics (formerly Invitae), Labcorp
Classification: Uncertain significance. Last evaluated: 2025-06-25. Review status: criteria provided, single submitter. Criteria: Invitae Variant Classification Sherloc (09022015). Collection method: clinical testing. Allele origin: germline.
Comment: This sequence change replaces valine, which is neutral and non-polar, with glycine, which is neutral and non-polar, at codon 473 of the CHRNA2 protein (p.Val473Gly). This variant is present in population databases (rs150254933, gnomAD 0.009%). This variant has not been reported in the literature in individuals affected with CHRNA2-related conditions. This missense change has been observed in at least one individual who was not affected with CHRNA2-related conditions (internal data). ClinVar contains an entry for this variant (Variation ID: 625918). Invitae Evidence Modeling of protein sequence and biophysical properties (such as structural, functional, and spatial information, amino acid conservation, physicochemical variation, residue mobility, and thermodynamic stability) has been performed for this missense variant. However, the output from this modeling did not meet the statistical confidence thresholds required to predict the impact of this variant on CHRNA2 protein function. In summary, the available evidence is currently insufficient to determine the role of this variant in disease. Therefore, it has been classified as a Variant of Uncertain Significance.

Ambry Genetics
Classification: Likely benign for Inborn genetic diseases. Last evaluated: 2023-04-28. Review status: criteria provided, single submitter. Criteria: Ambry Variant Classification Scheme 2023. Collection method: clinical testing. Allele origin: germline.

Center for Genomics, Ann and Robert H. Lurie Children's Hospital of Chicago
Classification: Uncertain significance for Autosomal dominant nocturnal frontal lobe epilepsy 4. Last evaluated: 2021-03-30. Review status: criteria provided, single submitter. Criteria: ACMG Guidelines, 2015. Collection method: clinical testing. Allele origin: germline.
Comment: CHRNA2 NM_000742.3 exon 6 p.Val473Gly (c.1418T>G): This variant has not been reported in the literature but is present in 4/126516 European alleles in the Genome Aggregation Database. Evolutionary conservation and computational predictive tools suggest that this variant may impact the protein. In summary, data on this variant is insufficient for disease classification. Therefore, the clinical significance of this variant is uncertain.